The following is an entry in ClinVar:

ClinVar aggregate classification (germline): Uncertain significance (1 of 4 stars; one submission).

Submission:

GeneDx
Classification: Uncertain significance. Last evaluated: 2024-04-11. Review status: criteria provided, single submitter. Criteria: GeneDx Variant Classification Process June 2021. Collection method: clinical testing. Allele origin: germline. Affected: yes.
Comment: Not observed at significant frequency in large population cohorts (gnomAD); In silico analysis supports that this missense variant has a deleterious effect on protein structure/function; In silico analysis supports that this variant has a deleterious effect on splicing; Has not been previously published as pathogenic or benign to our knowledge

NM_006267.5(RANBP2):c.1411C>T (p.Leu471Phe)

Gene: RANBP2 (RAN binding protein 2; plus strand). Cytogenetic location: 2q13.
Variant type: single nucleotide variant.
Coding change: c.1411C>T on transcript NM_006267.5 (MANE Select); coding-DNA position 1411, C replaced by T.
Protein change: p.Leu471Phe; replaces leucine 471 with phenylalanine.
Molecular consequence: missense variant.
Genome position (GRCh38, 1-based): chr2:108,751,401, C>T. VCF-style: chr2-108751401-C-T. GRCh37 (hg19) VCF-style: chr2-109367857-C-T.
Other names: c.1411C>T, p.Leu471Phe (NM_001415871.1, NM_001415873.1); c.1408C>T, p.Leu470Phe (NM_001415872.1); short protein forms L470F, L471F.
Identifiers: ClinVar variation 3372248 (VCV003372248.1).